The following is an entry in ClinVar:

ClinVar aggregate classification (germline): Uncertain significance (1 of 4 stars; one submission).

Allele frequency attached by ClinVar (database versions not stated): gnomAD 0.00001; TOPMed 0.00001.
gnomAD v4.1: 2 of 1,613,898 alleles (0.00012%); highest among the groups gnomAD compares: East Asian, 0.0022%; no homozygotes.

Submission:

Labcorp Genetics (formerly Invitae), Labcorp
Classification: Uncertain significance. Last evaluated: 2022-06-02. Review status: criteria provided, single submitter. Criteria: Invitae Variant Classification Sherloc (09022015). Collection method: clinical testing. Allele origin: germline.
Comment: This sequence change replaces serine, which is neutral and polar, with asparagine, which is neutral and polar, at codon 2182 of the CDH23 protein (p.Ser2182Asn). This variant is not present in population databases (gnomAD no frequency). This variant has not been reported in the literature in individuals affected with CDH23-related conditions. Algorithms developed to predict the effect of missense changes on protein structure and function are either unavailable or do not agree on the potential impact of this missense change (SIFT: "Deleterious"; PolyPhen-2: "Not Available"; Align-GVGD: "Class C45"). In summary, the available evidence is currently insufficient to determine the role of this variant in disease. Therefore, it has been classified as a Variant of Uncertain Significance.

NM_022124.6(CDH23):c.6545G>A (p.Ser2182Asn)

Gene: CDH23 (cadherin related 23; plus strand). Cytogenetic location: 10q22.1.
Variant type: single nucleotide variant.
Coding change: c.6545G>A on transcript NM_022124.6 (MANE Select); coding-DNA position 6545, G replaced by A.
Protein change: p.Ser2182Asn; replaces serine 2182 with asparagine.
Molecular consequence: missense variant.
Genome position (GRCh38, 1-based): chr10:71,793,473, G>A. VCF-style: chr10-71793473-G-A. GRCh37 (hg19) VCF-style: chr10-73553230-G-A.
Other names: short protein forms S2182N.
Identifiers: ClinVar variation 1975677 (VCV001975677.2), dbSNP rs1408064016, ClinGen allele CA377155284.
Genomic context (GRCh38, chr10:71,793,473, plus strand): 5'-TTCTGATCGATGACATCAATGACTCCCGCCCCGAGTTCCTCAACCCCATCCAGACAGTGA[G>A]CGTGCTGGAGTCGGCTGAGCCAGGCACTGTCATTGCCAATATCACGGCCATTGACCACGA-3'
Protein context (NP_071407.4, residues 2172-2192): PEFLNPIQTV[Ser2182Asn]VLESAEPGTV